The following is an entry in ClinVar:

NM_000080.4(CHRNE):c.1242C>T (p.Gly414=)

Gene: CHRNE (cholinergic receptor nicotinic epsilon subunit; minus strand). Cytogenetic location: 17p13.2.
Variant type: single nucleotide variant.
Coding change: c.1242C>T on transcript NM_000080.4 (MANE Select); coding-DNA position 1242, C replaced by T.
Protein change: p.Gly414=; no amino-acid change (glycine 414 retained).
Molecular consequence: synonymous variant.
Genome position (GRCh38, 1-based): chr17:4,899,085, G>A on the plus strand (C>T on the coding strand, the complement: CHRNE is on the minus strand). VCF-style: chr17-4899085-G-A. GRCh37 (hg19) VCF-style: chr17-4802380-G-A.
Other names: c.1242C>T (NM_000080.3).
Identifiers: ClinVar variation 1130435 (VCV001130435.12), dbSNP rs370770111, ClinGen allele CA8313927.
Genomic context (GRCh38, chr17:4,899,085, plus strand): 5'-CGTGCTCTCGGCCACGAAGTTCACGGCATCCACACAGCAGCGGACCTCGGGGGCGGCGGC[G>A]CCCAGGCTCTGGCAGAAGGCAGCTGGCGGGGAAAACACCGGGGTGGGCCTTAGGAGCCTC-3'
Protein context (NP_000071.1, residues 404-424): TWTAAFCQSL[Gly414=]AAAPEVRCCV

ClinVar aggregate classification (germline): Likely benign. Review status: criteria provided, multiple submitters, no conflicts (2 of 4 stars). 3 submissions from 3 submitters: Likely benign (2). 1 of the submissions does not count toward it. Last evaluated 2025-11-12.

Conditions:
Congenital myasthenic syndrome 4A. Also called: Myasthenic syndrome, congenital, 4a, slow-channel; CONGENITAL MYASTHENIC SYNDROME TYPE Ia1; MYASTHENIC SYNDROME, CONGENITAL, 4A, SLOW-CHANNEL, AUTOSOMAL RECESSIVE. Identifiers: Orphanet 590, MedGen C4225413, MONDO:0011600, OMIM 605809.
CHRNE-related disorder. Also called: CHRNE-related condition.

Submissions (3):

Labcorp Genetics (formerly Invitae), Labcorp
Classification: Likely benign for Congenital myasthenic syndrome 4A. Last evaluated: 2025-11-12. Review status: criteria provided, single submitter. Criteria: Invitae Variant Classification Sherloc (09022015). Collection method: clinical testing. Allele origin: germline.

Blueprint Genetics
Classification: Likely benign. Last evaluated: 2024-03-21. Review status: criteria provided, single submitter. Criteria: ACMG Guidelines, 2015. Collection method: clinical testing. Allele origin: germline.

PreventionGenetics, part of Exact Sciences
Classification: Likely benign for CHRNE-related condition. Last evaluated: 2019-08-27. Review status: no assertion criteria provided. Collection method: clinical testing. Allele origin: germline. Not counted in ClinVar's aggregate classification.
Comment: This variant is classified as likely benign based on ACMG/AMP sequence variant interpretation guidelines (Richards et al. 2015 PMID: 25741868, with internal and published modifications).